The following is an entry in ClinVar:

ClinVar aggregate classification (germline): Uncertain significance. Review status: criteria provided, multiple submitters, no conflicts (2 of 4 stars). 4 submissions from 4 submitters: Uncertain significance (4). Last evaluated 2025-10-13.

Conditions:
Familial adenomatous polyposis 1 (FAP1). Also called: FAMILIAL ADENOMATOUS POLYPOSIS 1, ATTENUATED; POLYPOSIS, ADENOMATOUS INTESTINAL. Identifiers: MedGen C2713442, MONDO:0021056, OMIM 175100. Disease mechanism: loss of function.
Hereditary cancer-predisposing syndrome. Also called: Neoplastic Syndromes, Hereditary; Hereditary Cancer Syndrome; Tumor predisposition; Hereditary neoplastic syndrome. Identifiers: Orphanet 140162, MedGen C0027672, MeSH D009386, MONDO:0015356.

Submissions (4):

Labcorp Genetics (formerly Invitae), Labcorp
Classification: Uncertain significance for Familial adenomatous polyposis 1. Last evaluated: 2025-10-13. Review status: criteria provided, single submitter. Criteria: Invitae Variant Classification Sherloc (09022015). Collection method: clinical testing. Allele origin: germline.
Comment: This sequence change replaces glutamine, which is neutral and polar, with glutamic acid, which is acidic and polar, at codon 999 of the APC protein (p.Gln999Glu). This variant is not present in population databases (gnomAD no frequency). This missense change has been observed in individual(s) with APC-related conditions (PMID: 35264596). ClinVar contains an entry for this variant (Variation ID: 584668). Invitae Evidence Modeling of protein sequence and biophysical properties (such as structural, functional, and spatial information, amino acid conservation, physicochemical variation, residue mobility, and thermodynamic stability) indicates that this missense variant is not expected to disrupt APC protein function with a negative predictive value of 95%. In summary, the available evidence is currently insufficient to determine the role of this variant in disease. Therefore, it has been classified as a Variant of Uncertain Significance.

Ambry Genetics
Classification: Uncertain significance for Hereditary cancer-predisposing syndrome. Last evaluated: 2025-03-24. Review status: criteria provided, single submitter. Criteria: Ambry Variant Classification Scheme 2023. Collection method: clinical testing. Allele origin: germline.
Comment: The p.Q999E variant (also known as c.2995C>G), located in coding exon 15 of the APC gene, results from a C to G substitution at nucleotide position 2995. The glutamine at codon 999 is replaced by glutamic acid, an amino acid with highly similar properties. This amino acid position is well conserved in available vertebrate species. In addition, in silico predictors for this gene do not accurately predict pathogenicity. Missense alterations in APC are not a common cause of disease (Spier I et al. Genet Med. 2024 Feb;26(2):100992). Based on the available evidence, the clinical significance of this variant remains unclear.

Color Diagnostics, LLC DBA Color Health
Classification: Uncertain significance for Hereditary cancer-predisposing syndrome. Last evaluated: 2022-08-08. Review status: criteria provided, single submitter. Criteria: ACMG Guidelines, 2015. Collection method: clinical testing. Allele origin: germline.
Comment: This missense variant replaces glutamine with glutamic acid at codon 999 of the APC protein. Computational prediction suggests that this variant may not impact protein structure and function (internally defined REVEL score threshold <= 0.5, PMID: 27666373). To our knowledge, functional studies have not been reported for this variant. This variant has not been reported in individuals affected with hereditary cancer in the literature. This variant has not been identified in the general population by the Genome Aggregation Database (gnomAD). The available evidence is insufficient to determine the role of this variant in disease conclusively. Therefore, this variant is classified as a Variant of Uncertain Significance.

Mendelics
Classification: Uncertain significance for Familial adenomatous polyposis 1. Last evaluated: 2018-07-02. Review status: criteria provided, single submitter. Criteria: Mendelics Assertion Criteria 2017. Collection method: clinical testing. Allele origin: unknown.

Literature cited by the submitters: PubMed 35264596 (cited by Labcorp Genetics (formerly Invitae), Labcorp).

NM_000038.6(APC):c.2995C>G (p.Gln999Glu)

Gene: APC (APC regulator of Wnt signaling pathway; plus strand). Cytogenetic location: 5q22.2.
Variant type: single nucleotide variant.
Coding change: c.2995C>G on transcript NM_000038.6 (MANE Select); coding-DNA position 2995, C replaced by G.
Protein change: p.Gln999Glu; replaces glutamine 999 with glutamic acid.
Molecular consequence: missense variant.
Genome position (GRCh38, 1-based): chr5:112,838,589, C>G. VCF-style: chr5-112838589-C-G. GRCh37 (hg19) VCF-style: chr5-112174286-C-G.
Other names: c.2995C>G, p.Gln999Glu (NM_001127510.3, NM_001354895.2); c.2941C>G, p.Gln981Glu (NM_001127511.3); c.3049C>G, p.Gln1017Glu (NM_001354896.2); c.3025C>G, p.Gln1009Glu (NM_001354897.2); c.2920C>G, p.Gln974Glu (NM_001354898.2); c.2911C>G, p.Gln971Glu (NM_001354899.2); c.2872C>G, p.Gln958Glu (NM_001354900.2); c.2818C>G, p.Gln940Glu (NM_001354901.2); and 5 more; short protein forms Q981E, Q999E, Q873E, Q971E, Q839E, Q898E, Q1009E, Q1017E.
Identifiers: ClinVar variation 584668 (VCV000584668.21), dbSNP rs75239284, ClinGen allele CA16027883.
Genomic context (GRCh38, chr5:112,838,589, plus strand): 5'-ATGAAACCCTCGATTGAATCCTATTCTGAAGATGATGAAAGTAAGTTTTGCAGTTATGGT[C>G]AATACCCAGCCGACCTAGCCCATAAAATACATAGTGCAAATCATATGGATGATAATGATG-3'
Protein context (NP_000029.2, residues 989-1009): DDESKFCSYG[Gln999Glu]YPADLAHKIH